The following is an entry in ClinVar:

ClinVar aggregate classification (germline): Uncertain significance (1 of 4 stars; one submission).

Conditions:
Baller-Gerold syndrome (BGS). Also called: CRANIOSYNOSTOSIS WITH RADIAL DEFECTS. Identifiers: Orphanet 1225, MedGen C0265308, MONDO:0009039, OMIM 218600.

Submission:

Labcorp Genetics (formerly Invitae), Labcorp
Classification: Uncertain significance for Baller-Gerold syndrome. Last evaluated: 2023-03-08. Review status: criteria provided, single submitter. Criteria: Invitae Variant Classification Sherloc (09022015). Collection method: clinical testing. Allele origin: germline.
Comment: This sequence change replaces leucine, which is neutral and non-polar, with valine, which is neutral and non-polar, at codon 219 of the RECQL4 protein (p.Leu219Val). This variant is not present in population databases (gnomAD no frequency). This variant has not been reported in the literature in individuals affected with RECQL4-related conditions. Advanced modeling of protein sequence and biophysical properties (such as structural, functional, and spatial information, amino acid conservation, physicochemical variation, residue mobility, and thermodynamic stability) performed at Invitae indicates that this missense variant is not expected to disrupt RECQL4 protein function. In summary, the available evidence is currently insufficient to determine the role of this variant in disease. Therefore, it has been classified as a Variant of Uncertain Significance.

NM_004260.4(RECQL4):c.655C>G (p.Leu219Val)

Gene: RECQL4 (RecQ like helicase 4; minus strand). Cytogenetic location: 8q24.3.
Variant type: single nucleotide variant.
Coding change: c.655C>G on transcript NM_004260.4 (MANE Select); coding-DNA position 655, C replaced by G.
Protein change: p.Leu219Val; replaces leucine 219 with valine.
Molecular consequence: missense variant. On other transcripts: 5 prime UTR variant (15), non-coding transcript variant (3), intron variant (3).
Genome position (GRCh38, 1-based): chr8:144,516,464, G>C on the plus strand (C>G on the coding strand, the complement: RECQL4 is on the minus strand). VCF-style: chr8-144516464-G-C. GRCh37 (hg19) VCF-style: chr8-145741848-G-C.
Other names: c.655C>G, p.Leu219Val (NM_001413017.1, NM_001413018.1, NM_001413019.1 and 4 more transcripts); c.-417C>G (NM_001413022.1, NM_001413023.1, NM_001413024.1 and 5 more transcripts); c.526C>G, p.Leu176Val (NM_001413025.1); c.-479C>G (NM_001413027.1, NM_001413030.1, NM_001413031.1 and 2 more transcripts); c.-321C>G (NM_001413034.1); c.-686C>G (NM_001413043.1); c.355-51C>G (NM_001413029.1); c.-366-51C>G (NM_001413021.1, NM_001413028.1); short protein forms L219V, L176V.
Identifiers: ClinVar variation 2984782 (VCV002984782.3), dbSNP rs756820839, ClinGen allele CA372689874.
Genomic context (GRCh38, chr8:144,516,464, plus strand): 5'-CCTCTGGGCCCTGGGAGCCAGCACCAGGACCAAGGACAGCCGACTCACCAGGGATCAGAA[G>C]TTGTGATTCCTCTGAGCCTAGATCAGGCCTGCAGGCTTTGGGGGCCCCCAGAAAATCTGG-3'
Protein context (NP_004251.4, residues 209-229): RPDLGSEESQ[Leu219Val]LIPGESAVLG